The following is an entry in ClinVar:

NM_022552.5(DNMT3A):c.1591G>C (p.Asp531His)

Gene: DNMT3A (DNA methyltransferase 3 alpha; minus strand). Cytogenetic location: 2p23.3.
Variant type: single nucleotide variant.
Coding change: c.1591G>C on transcript NM_022552.5 (MANE Select); coding-DNA position 1591, G replaced by C.
Protein change: p.Asp531His; replaces aspartic acid 531 with histidine.
Molecular consequence: missense variant. On other transcripts: non-coding transcript variant (1).
Genome position (GRCh38, 1-based): chr2:25,244,616, C>G on the plus strand (G>C on the coding strand, the complement: DNMT3A is on the minus strand). VCF-style: chr2-25244616-C-G. GRCh37 (hg19) VCF-style: chr2-25467485-C-G.
Other names: c.1135G>C, p.Asp379His (NM_001320893.1); c.922G>C, p.Asp308His (NM_001375819.1); c.1024G>C, p.Asp342His (NM_153759.3); c.1591G>C, p.Asp531His (NM_175629.2); short protein forms D379H, D531H, D308H, D342H.
Identifiers: ClinVar variation 3504254 (VCV003504254.1).

ClinVar aggregate classification (germline): Uncertain significance (1 of 4 stars; one submission).

Conditions:
Inborn genetic diseases. Identifiers: MedGen C0950123, MeSH D030342.

Submission:

Ambry Genetics
Classification: Uncertain significance for Inborn genetic diseases. Last evaluated: 2024-12-08. Review status: criteria provided, single submitter. Criteria: Ambry Variant Classification Scheme 2023. Collection method: clinical testing. Allele origin: germline.
Comment: The p.D531H variant (also known as c.1591G>C), located in coding exon 13 of the DNMT3A gene, results from a G to C substitution at nucleotide position 1591. The aspartic acid at codon 531 is replaced by histidine, an amino acid with similar properties. This amino acid position is conserved. In addition, the in silico prediction for this alteration is inconclusive. Based on the available evidence, the clinical significance of this variant remains unclear.